The following is an entry in ClinVar:

ClinVar aggregate classification (germline): Uncertain significance. Review status: criteria provided, multiple submitters, no conflicts (2 of 4 stars). 3 submissions from 3 submitters: Uncertain significance (2). 1 of the submissions does not count toward it. Last evaluated 2025-08-25.

Conditions:
KIDINS220-related disorder. Also called: KIDINS220-related condition.
Inborn genetic diseases. Identifiers: MedGen C0950123, MeSH D030342.

Allele frequency attached by ClinVar (database versions not stated): gnomAD 0.00001; gnomAD exomes 0.00002; ExAC 0.00005.
gnomAD v4.1: 23 of 1,605,478 alleles (0.0014%); highest among the groups gnomAD compares: South Asian, 0.013%; no homozygotes.

Submissions (3):

Ambry Genetics
Classification: Uncertain significance for Inborn genetic diseases. Last evaluated: 2025-08-25. Review status: criteria provided, single submitter. Criteria: Ambry Variant Classification Scheme 2023. Collection method: clinical testing. Allele origin: germline.

Labcorp Genetics (formerly Invitae), Labcorp
Classification: Uncertain significance. Last evaluated: 2023-10-10. Review status: criteria provided, single submitter. Criteria: Invitae Variant Classification Sherloc (09022015). Collection method: clinical testing. Allele origin: germline.
Comment: This sequence change replaces threonine, which is neutral and polar, with methionine, which is neutral and non-polar, at codon 1166 of the KIDINS220 protein (p.Thr1166Met). This variant is present in population databases (rs763447390, gnomAD 0.01%). This variant has not been reported in the literature in individuals affected with KIDINS220-related conditions. ClinVar contains an entry for this variant (Variation ID: 1941279). Algorithms developed to predict the effect of missense changes on protein structure and function output the following: SIFT: "Not Available"; PolyPhen-2: "Not Available"; Align-GVGD: "Not Available". The methionine amino acid residue is found in multiple mammalian species, which suggests that this missense change does not adversely affect protein function. In summary, the available evidence is currently insufficient to determine the role of this variant in disease. Therefore, it has been classified as a Variant of Uncertain Significance.

PreventionGenetics, part of Exact Sciences
Classification: Uncertain significance for KIDINS220-related condition. Last evaluated: 2024-03-27. Review status: no assertion criteria provided. Collection method: clinical testing. Allele origin: germline. Not counted in ClinVar's aggregate classification.
Comment: The KIDINS220 c.3497C>T variant is predicted to result in the amino acid substitution p.Thr1166Met. To our knowledge, this variant has not been reported in the literature. This variant is reported in 0.017% of alleles in individuals of South Asian descent in gnomAD, which is more common than other known suspected pathogenic variants in KIDINS220. Although we suspect this variant may be benign, at this time, the clinical significance of this variant is uncertain due to the absence of conclusive functional and genetic evidence.

NM_020738.4(KIDINS220):c.3497C>T (p.Thr1166Met)

Gene: KIDINS220 (kinase D interacting substrate 220; minus strand). Cytogenetic location: 2p25.1.
Variant type: single nucleotide variant.
Coding change: c.3497C>T on transcript NM_020738.4 (MANE Select); coding-DNA position 3497, C replaced by T.
Protein change: p.Thr1166Met; replaces threonine 1166 with methionine.
Molecular consequence: missense variant. On other transcripts: non-coding transcript variant (1), intron variant (8).
Genome position (GRCh38, 1-based): chr2:8,747,918, G>A on the plus strand (C>T on the coding strand, the complement: KIDINS220 is on the minus strand). VCF-style: chr2-8747918-G-A. GRCh37 (hg19) VCF-style: chr2-8888048-G-A.
Other names: c.3500C>T, p.Thr1167Met (NM_001348729.2, NM_001348731.2); c.3497C>T, p.Thr1166Met (NM_001348732.2, NM_001348738.2); c.3414+2194C>T (NM_001348741.2, NM_001348742.2, NM_001348743.2 and 1 more transcripts); c.3417+2194C>T (NM_001348739.2, NM_001348740.2, NM_001348734.2); c.3288+2194C>T (NM_001348736.2); c.3497C>T (NM_020738.2); short protein forms T1167M, T1166M.
Identifiers: ClinVar variation 1941279 (VCV001941279.7), dbSNP rs763447390, ClinGen allele CA1519639.